The following is an entry in ClinVar:

ClinVar aggregate classification (germline): Pathogenic (1 of 4 stars; one submission).

Conditions:
Nephronophthisis. Also called: Juvenile Nephronophthisis. Identifiers: Orphanet 655, MedGen C0687120, MONDO:0019005, HP:0000090.

Submission:

Labcorp Genetics (formerly Invitae), Labcorp
Classification: Pathogenic for Nephronophthisis. Last evaluated: 2022-07-19. Review status: criteria provided, single submitter. Criteria: Invitae Variant Classification Sherloc (09022015). Collection method: clinical testing. Allele origin: germline.
Comment: This variant is a gross deletion of the genomic region encompassing exon(s) 2-20 of the NPHP1 gene, which includes the termination codon. This deletion extends beyond the assayed region for this gene and therefore may encompass additional genes. While this deletion is not anticipated to lead to nonsense mediated decay, it is expected to alter mRNA translation or result in a truncated protein product. This variant has not been reported in the literature in individuals affected with NPHP1-related conditions. This variant disrupts a region of the NPHP1 protein in which other variant(s) (p.Trp685*) have been determined to be pathogenic (PMID: 23559409; Invitae). This suggests that this is a clinically significant region of the protein, and that variants that disrupt it are likely to be disease-causing. For these reasons, this variant has been classified as Pathogenic.

Literature cited by the submitters: PubMed 23559409.

NC_000002.11:g.(?_110881368)_(110959091_?)del

Gene: NPHP1 (nephrocystin 1; minus strand). Cytogenetic location: 2q13.
Variant type: Deletion.
Identifiers: ClinVar variation 1452271 (VCV001452271.5).